The following is an entry in ClinVar:

NM_001303052.2(MYT1L):c.925G>A (p.Gly309Arg)

Gene: MYT1L (myelin transcription factor 1 like; minus strand). Cytogenetic location: 2p25.3.
Variant type: single nucleotide variant.
Coding change: c.925G>A on transcript NM_001303052.2 (MANE Select); coding-DNA position 925, G replaced by A.
Protein change: p.Gly309Arg; replaces glycine 309 with arginine.
Molecular consequence: missense variant.
Genome position (GRCh38, 1-based): chr2:1,922,844, C>T on the plus strand (G>A on the coding strand, the complement: MYT1L is on the minus strand). VCF-style: chr2-1922844-C-T. GRCh37 (hg19) VCF-style: chr2-1926616-C-T.
Other names: c.925G>A, p.Gly309Arg (NM_001329844.2, NM_001329845.1, NM_001329846.3 and 6 more transcripts); short protein forms G309R.
Identifiers: ClinVar variation 964479 (VCV000964479.9), dbSNP rs781602277, ClinGen allele CA1514327.

ClinVar aggregate classification (germline): Uncertain significance (1 of 4 stars; one submission).

Allele frequency attached by ClinVar (database versions not stated): gnomAD exomes below 0.00001 and 0.00001; ExAC 0.00001; gnomAD 0.00001; TOPMed 0.00001.
gnomAD v4.1: 6 of 1,613,854 alleles (0.00037%); highest among the groups gnomAD compares: East Asian, 0.0022%; no homozygotes.

Submission:

Labcorp Genetics (formerly Invitae), Labcorp
Classification: Uncertain significance. Last evaluated: 2019-10-16. Review status: criteria provided, single submitter. Criteria: Invitae Variant Classification Sherloc (09022015). Collection method: clinical testing. Allele origin: germline.
Comment: This sequence change replaces glycine with arginine at codon 309 of the MYT1L protein (p.Gly309Arg). The glycine residue is weakly conserved and there is a moderate physicochemical difference between glycine and arginine. This variant is present in population databases (rs781602277, ExAC 0.001%). This variant has not been reported in the literature in individuals with MYT1L-related conditions. Algorithms developed to predict the effect of missense changes on protein structure and function (SIFT, PolyPhen-2, Align-GVGD) all suggest that this variant is likely to be tolerated, but these predictions have not been confirmed by published functional studies and their clinical significance is uncertain. In summary, the available evidence is currently insufficient to determine the role of this variant in disease. Therefore, it has been classified as a Variant of Uncertain Significance.